The following is an entry in ClinVar:

ClinVar aggregate classification (germline): Uncertain significance (1 of 4 stars; one submission).

Allele frequency attached by ClinVar (database versions not stated): gnomAD exomes below 0.00001; gnomAD 0.00001.
gnomAD v4.1: 3 of 1,614,028 alleles (0.00019%); highest among the groups gnomAD compares: South Asian, 0.0022%; no homozygotes.

Submission:

Labcorp Genetics (formerly Invitae), Labcorp
Classification: Uncertain significance. Last evaluated: 2022-02-03. Review status: criteria provided, single submitter. Criteria: Invitae Variant Classification Sherloc (09022015). Collection method: clinical testing. Allele origin: germline.
Comment: This sequence change replaces leucine, which is neutral and non-polar, with valine, which is neutral and non-polar, at codon 2015 of the NBAS protein (p.Leu2015Val). This variant is not present in population databases (gnomAD no frequency). This variant has not been reported in the literature in individuals affected with NBAS-related conditions. Algorithms developed to predict the effect of missense changes on protein structure and function are either unavailable or do not agree on the potential impact of this missense change (SIFT: "Deleterious"; PolyPhen-2: "Benign"; Align-GVGD: "Class C25"). In summary, the available evidence is currently insufficient to determine the role of this variant in disease. Therefore, it has been classified as a Variant of Uncertain Significance.

NM_015909.4(NBAS):c.6043C>G (p.Leu2015Val)

Gene: NBAS (NBAS subunit of NRZ tethering complex; minus strand). Cytogenetic location: 2p24.3.
Variant type: single nucleotide variant.
Coding change: c.6043C>G on transcript NM_015909.4 (MANE Select); coding-DNA position 6043, C replaced by G.
Protein change: p.Leu2015Val; replaces leucine 2015 with valine.
Molecular consequence: missense variant. On other transcripts: non-coding transcript variant (1).
Genome position (GRCh38, 1-based): chr2:15,234,648, G>C on the plus strand (C>G on the coding strand, the complement: NBAS is on the minus strand). VCF-style: chr2-15234648-G-C. GRCh37 (hg19) VCF-style: chr2-15374772-G-C.
Other names: short protein forms L2015V.
Identifiers: ClinVar variation 1981902 (VCV001981902.1), dbSNP rs1418139120, ClinGen allele CA345888649.